The following is an entry in ClinVar:

ClinVar aggregate classification (germline): Pathogenic (1 of 4 stars; one submission).

Submission:

Labcorp Genetics (formerly Invitae), Labcorp
Classification: Pathogenic. Last evaluated: 2023-01-02. Review status: criteria provided, single submitter. Criteria: Invitae Variant Classification Sherloc (09022015). Collection method: clinical testing. Allele origin: unknown.
Comment: For these reasons, this variant has been classified as Pathogenic. This variant disrupts a region of the ABCA4 protein in which other variant(s) (p.Arg1705Gln) have been determined to be pathogenic (PMID: 17325179, 23419329, 23769331). This suggests that this is a clinically significant region of the protein, and that variants that disrupt it are likely to be disease-causing. This variant has been observed in individual(s) with Stargardt disease (Invitae). This variant results in the deletion of part of exon 32 and exons 33-36 (c.4651_5196+1663del) of the ABCA4 gene. It is expected to disrupt RNA splicing. Variants that disrupt the donor or acceptor splice site typically lead to a loss of protein function (PMID: 16199547), and loss-of-function variants in ABCA4 are known to be pathogenic (PMID: 10958761, 24938718, 25312043, 26780318).

Literature cited by the submitters: PubMed 17325179; PubMed 23419329; PubMed 23769331; PubMed 16199547; PubMed 10958761; PubMed 24938718; PubMed 25312043; PubMed 26780318.

NC_000001.10:g.(?_94483475)_(94488958_?)del

Gene: ABCA4 (ATP binding cassette subfamily A member 4; minus strand). Cytogenetic location: 1p22.1.
Variant type: Deletion.
Identifiers: ClinVar variation 3247891 (VCV003247891.1).